The following is an entry in ClinVar:

ClinVar aggregate classification (germline): Conflicting classifications of pathogenicity. Review status: criteria provided, conflicting classifications (1 of 4 stars). 4 submissions from 3 submitters: Uncertain significance (2); Benign (1); Likely benign (1). Last evaluated 2026-03-27.

Conditions:
Hypertrophic cardiomyopathy 2. Also called: TNNT2-Related Familial Hypertrophic Cardiomyopathy. Identifiers: MedGen C1861864, MONDO:0007266, OMIM 115195.
Cardiomyopathy, familial restrictive, 3. Identifiers: Orphanet 75249, MedGen C2676271, MONDO:0012900, OMIM 612422.

Allele frequency attached by ClinVar (database versions not stated): gnomAD 0.00005 and 0.00004; TOPMed 0.00003; ExAC 0.00004; 1000 Genomes Project 30x 0.00031; gnomAD exomes 0.00003 and 0.00005; 1000 Genomes Project 0.00020.
gnomAD v4.1: 47 of 1,597,050 alleles (0.0029%); highest among the groups gnomAD compares: Admixed American, 0.028%; no homozygotes.

Submissions (4):

Molecular Diagnostic Laboratory for Inherited Cardiovascular Disease, Montreal Heart Institute
Classification: Likely benign. Last evaluated: 2026-03-27. Review status: criteria provided, single submitter. Criteria: ACMG Guidelines, 2015. Collection method: clinical testing. Allele origin: germline. Affected: no.
Comment: BS1

Illumina Laboratory Services, Illumina
Classification: Uncertain significance for Hypertrophic cardiomyopathy 2. Last evaluated: 2018-01-13. Review status: criteria provided, single submitter. Criteria: ICSL Variant Classification Criteria 13 December 2019. Collection method: clinical testing. Allele origin: germline.

Illumina Laboratory Services, Illumina
Classification: Uncertain significance for Cardiomyopathy, familial restrictive, 3. Last evaluated: 2018-01-13. Review status: criteria provided, single submitter. Criteria: ICSL Variant Classification Criteria 13 December 2019. Collection method: clinical testing. Allele origin: germline.

GeneDx
Classification: Benign. Last evaluated: 2015-03-03. Review status: criteria provided, single submitter. Criteria: GeneDx Variant Classification Process June 2021. Collection method: clinical testing. Allele origin: germline. Affected: yes.

NM_001276345.2(TNNT2):c.*39C>T

Gene: TNNT2 (troponin T2, cardiac type; minus strand). Cytogenetic location: 1q32.1.
Variant type: single nucleotide variant.
Coding change: c.*39C>T on transcript NM_001276345.2 (MANE Select); 39 bases downstream of the stop codon, C replaced by T.
Molecular consequence: 3 prime UTR variant.
Genome position (GRCh38, 1-based): chr1:201,359,171, G>A on the plus strand (C>T on the coding strand, the complement: TNNT2 is on the minus strand). VCF-style: chr1-201359171-G-A. GRCh37 (hg19) VCF-style: chr1-201328299-G-A.
Other names: c.*39C>T (NM_000364.4, NM_001001430.3, NM_001001431.3 and 3 more transcripts).
Identifiers: ClinVar variation 875245 (VCV000875245.8), dbSNP rs553116893, ClinGen allele CA028052.